The following is an entry in ClinVar:

NM_006231.4(POLE):c.5863G>T (p.Asp1955Tyr)

Gene: POLE (DNA polymerase epsilon, catalytic subunit; minus strand). Cytogenetic location: 12q24.33.
Variant type: single nucleotide variant.
Coding change: c.5863G>T on transcript NM_006231.4 (MANE Select); coding-DNA position 5863, G replaced by T.
Protein change: p.Asp1955Tyr; replaces aspartic acid 1955 with tyrosine.
Molecular consequence: missense variant.
Genome position (GRCh38, 1-based): chr12:132,634,327, C>A on the plus strand (G>T on the coding strand, the complement: POLE is on the minus strand). VCF-style: chr12-132634327-C-A. GRCh37 (hg19) VCF-style: chr12-133210913-C-A.
Other names: short protein forms D1955Y.
Identifiers: ClinVar variation 570131 (VCV000570131.8), dbSNP rs755805420, ClinGen allele CA387371738.

ClinVar aggregate classification (germline): Uncertain significance (1 of 4 stars; one submission).

Submission:

Labcorp Genetics (formerly Invitae), Labcorp
Classification: Uncertain significance. Last evaluated: 2018-06-06. Review status: criteria provided, single submitter. Criteria: Invitae Variant Classification Sherloc (09022015). Collection method: clinical testing. Allele origin: germline.
Comment: Algorithms developed to predict the effect of missense changes on protein structure and function are either unavailable or do not agree on the potential impact of this missense change (SIFT: "Deleterious"; PolyPhen-2: "Benign"; Align-GVGD: "Class C0"). This variant has not been reported in the literature in individuals with POLE-related disease. This variant is not present in population databases (ExAC no frequency). This sequence change replaces aspartic acid with tyrosine at codon 1955 of the POLE protein (p.Asp1955Tyr). The aspartic acid residue is weakly conserved and there is a large physicochemical difference between aspartic acid and tyrosine. In summary, the available evidence is currently insufficient to determine the role of this variant in disease. Therefore, it has been classified as a Variant of Uncertain Significance.